The following is an entry in ClinVar:

NM_000784.4(CYP27A1):c.1061del (p.Asp354fs)

Gene: CYP27A1 (cytochrome P450 family 27 subfamily A member 1; plus strand). Cytogenetic location: 2q35.
Variant type: Deletion.
Coding change: c.1061del on transcript NM_000784.4 (MANE Select); coding-DNA position 1061, one base deleted (A; older notation c.1061delA).
Protein change: p.Asp354fs; shifts the reading frame from aspartic acid 354.
Molecular consequence: frameshift variant.
Genome position (GRCh38, 1-based): chr2:218,814,064, A deleted. VCF-style (leftmost placement, unchanged base first): chr2-218814063-GA-G. GRCh37 (hg19) VCF-style: chr2-219678786-GA-G.
Other names: short protein forms D354fs.
Identifiers: ClinVar variation 1724790 (VCV001724790.2), dbSNP rs2470228996, ClinGen allele CA2580065749.

ClinVar aggregate classification (germline): Likely pathogenic (1 of 4 stars; one submission).

Conditions:
Cholestanol storage disease (CTX). Also called: CEREBRAL CHOLESTERINOSIS; CTX: Cerebrotendinous xanthomatosis; Cerebrotendinous Xanthomatosis. Identifiers: Orphanet 909, MedGen C0238052, MONDO:0008948, OMIM 213700.

Submission:

Myriad Genetics, Inc.
Classification: Likely pathogenic for Cholestanol storage disease. Last evaluated: 2022-02-27. Review status: criteria provided, single submitter. Criteria: Myriad Women's Health Autosomal Recessive and X-Linked Classification Criteria (2021). Collection method: clinical testing. Allele origin: unknown.
Comment: NM_000784.3(CYP27A1):c.1061delA(D354Afs*54) is expected to be pathogenic in the context of cerebrotendinous xanthomatosis. This variant is predicted to lead to an abnormal or absent protein product due to the creation of a premature termination codon in CYP27A1, a gene where loss-of-function variants are known to be pathogenic. Please note: this variant was assessed in the context of healthy population screening.